The following is an entry in ClinVar:

ClinVar aggregate classification (germline): Uncertain significance (1 of 4 stars; one submission).

Submission:

Labcorp Genetics (formerly Invitae), Labcorp
Classification: Uncertain significance. Last evaluated: 2024-09-17. Review status: criteria provided, single submitter. Criteria: Invitae Variant Classification Sherloc (09022015). Collection method: clinical testing. Allele origin: germline.
Comment: This sequence change replaces aspartic acid, which is acidic and polar, with glutamic acid, which is acidic and polar, at codon 937 of the BUB1 protein (p.Asp937Glu). This variant is not present in population databases (gnomAD no frequency). This variant has not been reported in the literature in individuals affected with BUB1-related conditions. An algorithm developed to predict the effect of missense changes on protein structure and function outputs the following: PolyPhen-2: "Not Available". The glutamic acid amino acid residue is found in multiple mammalian species, which suggests that this missense change does not adversely affect protein function. In summary, the available evidence is currently insufficient to determine the role of this variant in disease. Therefore, it has been classified as a Variant of Uncertain Significance.

NM_004336.5(BUB1):c.2811T>G (p.Asp937Glu)

Gene: BUB1 (BUB1 mitotic checkpoint serine/threonine kinase; minus strand). Cytogenetic location: 2q13.
Variant type: single nucleotide variant.
Coding change: c.2811T>G on transcript NM_004336.5 (MANE Select); coding-DNA position 2811, T replaced by G.
Protein change: p.Asp937Glu; replaces aspartic acid 937 with glutamic acid.
Molecular consequence: missense variant.
Genome position (GRCh38, 1-based): chr2:110,641,178, A>C on the plus strand (T>G on the coding strand, the complement: BUB1 is on the minus strand). VCF-style: chr2-110641178-A-C. GRCh37 (hg19) VCF-style: chr2-111398755-A-C.
Other names: c.2751T>G, p.Asp917Glu (NM_001278616.2); c.2640T>G, p.Asp880Glu (NM_001278617.2); short protein forms D917E, D937E, D880E.
Identifiers: ClinVar variation 3717665 (VCV003717665.2).